The following is an entry in ClinVar:

ClinVar aggregate classification (germline): Uncertain significance (1 of 4 stars; one submission).

Conditions:
Cardiovascular phenotype. Identifiers: MedGen CN230736.

Allele frequency attached by ClinVar (database versions not stated): gnomAD exomes below 0.00001; TOPMed 0.00002.
gnomAD v4.1: 2 of 1,566,446 alleles (0.00013%); highest among the groups gnomAD compares: African/African-American, 0.0014%; no homozygotes.

Submission:

Ambry Genetics
Classification: Uncertain significance for Cardiovascular phenotype. Last evaluated: 2024-04-08. Review status: criteria provided, single submitter. Criteria: Ambry Variant Classification Scheme 2023. Collection method: clinical testing. Allele origin: germline.
Comment: The p.F236L variant (also known as c.706T>C), located in coding exon 10 of the TXNRD2 gene, results from a T to C substitution at nucleotide position 706. The phenylalanine at codon 236 is replaced by leucine, an amino acid with highly similar properties. This amino acid position is highly conserved in available vertebrate species. In addition, this alteration is predicted to be tolerated by in silico analysis. Since supporting evidence is limited at this time, the clinical significance of this alteration remains unclear.

NM_006440.5(TXNRD2):c.706T>C (p.Phe236Leu)

Gene: TXNRD2 (thioredoxin reductase 2; minus strand). Cytogenetic location: 22q11.21.
Variant type: single nucleotide variant.
Coding change: c.706T>C on transcript NM_006440.5 (MANE Select); coding-DNA position 706, T replaced by C.
Protein change: p.Phe236Leu; replaces phenylalanine 236 with leucine.
Molecular consequence: missense variant. On other transcripts: non-coding transcript variant (1).
Genome position (GRCh38, 1-based): chr22:19,898,107, A>G on the plus strand (T>C on the coding strand, the complement: TXNRD2 is on the minus strand). VCF-style: chr22-19898107-A-G. GRCh37 (hg19) VCF-style: chr22-19885630-A-G.
Other names: c.706T>C, p.Phe236Leu (NM_001282512.3); c.703T>C, p.Phe235Leu (NM_001352300.2); c.616T>C, p.Phe206Leu (NM_001352301.2); c.418T>C, p.Phe140Leu (NM_001352302.2); c.610T>C, p.Phe204Leu (NM_001352303.2); short protein forms F140L, F235L, F204L, F236L, F206L.
Identifiers: ClinVar variation 1757002 (VCV001757002.3), dbSNP rs1186157435, ClinGen allele CA410687599.